The following is an entry in ClinVar:

ClinVar aggregate classification (germline): Benign/Likely benign. Review status: criteria provided, multiple submitters, no conflicts (2 of 4 stars). 10 submissions from 10 submitters: Benign (6); Likely benign (2). 2 of the submissions do not count toward it. Last evaluated 2026-05-11.

Conditions:
Laron-type isolated somatotropin defect. Also called: GROWTH HORMONE RECEPTOR DEFICIENCY; Laron Syndrome; Growth hormone binding protein deficiency or dysfunction; Growth hormone receptor deficiency or dysfunction; Laron dwarfism; Laron type pituitary dwarfism I. Identifiers: Orphanet 633, MedGen C0271568, MONDO:0009877, OMIM 262500.

Allele frequency attached by ClinVar (database versions not stated): ESP Exome Variant Server 0.00730; gnomAD 0.01120 and 0.01802; TOPMed 0.01602; gnomAD exomes 0.02261 and 0.04039; ExAC 0.04044; 1000 Genomes Project 30x 0.07089; 1000 Genomes Project 0.07528.
gnomAD v4.1: 36,284 of 1,613,872 alleles (2.2%); highest among the groups gnomAD compares: South Asian, 17%; 1,925 homozygotes.

Submissions (10):

Women's Health and Genetics/Laboratory Corporation of America, LabCorp
Classification: Likely benign. Last evaluated: 2026-05-11. Review status: criteria provided, single submitter. Criteria: LabCorp Variant Classification Summary - May 2015. Collection method: clinical testing. Allele origin: germline.

Labcorp Genetics (formerly Invitae), Labcorp
Classification: Benign. Last evaluated: 2026-02-04. Review status: criteria provided, single submitter. Criteria: Invitae Variant Classification Sherloc (09022015). Collection method: clinical testing. Allele origin: germline.

Blueprint Genetics
Classification: Likely benign. Last evaluated: 2024-11-26. Review status: criteria provided, single submitter. Criteria: ACMG Guidelines, 2015. Collection method: clinical testing. Allele origin: germline.

GeneDx
Classification: Benign. Last evaluated: 2021-06-09. Review status: criteria provided, single submitter. Criteria: GeneDx Variant Classification Process June 2021. Collection method: clinical testing. Allele origin: germline. Affected: yes.
Comment: This variant is associated with the following publications: (PMID: 19344888, 19447840, 8664975, 20981092, 8421103)

Illumina Laboratory Services, Illumina
Classification: Benign for Laron-type isolated somatotropin defect. Last evaluated: 2018-03-06. Review status: criteria provided, single submitter. Criteria: ICSL Variant Classification Criteria 13 December 2019. Collection method: clinical testing. Allele origin: germline.
Comment: This variant was observed in the ICSL laboratory as part of a predisposition screen in an ostensibly healthy population. It had not been previously curated by ICSL or reported in the Human Gene Mutation Database (HGMD: prior to June 1st, 2018), and was therefore a candidate for classification through an automated scoring system. Utilizing variant allele frequency, disease prevalence and penetrance estimates, and inheritance mode, an automated score was calculated to assess if this variant is too frequent to cause the disease. Based on the score and internal cut-off values, a variant classified as benign is not then subjected to further curation. The score for this variant resulted in a classification of benign for this disease.

Athena Diagnostics
Classification: Benign for Laron-type isolated somatotropin defect. Last evaluated: 2017-06-29. Review status: criteria provided, single submitter. Criteria: Athena Diagnostics Criteria. Collection method: clinical testing. Allele origin: germline.

Eurofins Ntd Llc (ga)
Classification: Benign. Last evaluated: 2016-07-14. Review status: criteria provided, single submitter. Criteria: EGL Classification Definitions 2015. Collection method: clinical testing. Allele origin: germline. Observed: 2 variant alleles, 2 heterozygotes.

Breakthrough Genomics
Classification: Benign. Review status: criteria provided, single submitter. Criteria: ACMG Guidelines, 2015. Collection method: not provided. Allele origin: germline. Inheritance: Autosomal recessive inheritance. Affected: yes.

Clinical Genetics DNA and cytogenetics Diagnostics Lab, Erasmus MC, Erasmus Medical Center
Classification: Benign. Review status: no assertion criteria provided. Collection method: clinical testing. Allele origin: germline. Affected: yes. Study: VKGL Data-share Consensus. Not counted in ClinVar's aggregate classification.

Laboratory of Diagnostic Genome Analysis, Leiden University Medical Center (LUMC)
Classification: Benign. Review status: no assertion criteria provided. Collection method: clinical testing. Allele origin: germline. Affected: yes. Study: VKGL Data-share Consensus. Not counted in ClinVar's aggregate classification.

Literature cited by the submitters: PubMed 10566675 (cited by Women's Health and Genetics/Laboratory Corporation of America, LabCorp); PubMed 9360529 (cited by Women's Health and Genetics/Laboratory Corporation of America, LabCorp); PubMed 17785695 (cited by Women's Health and Genetics/Laboratory Corporation of America, LabCorp); PubMed 8853444 (cited by Women's Health and Genetics/Laboratory Corporation of America, LabCorp); PubMed 12423626 (cited by Women's Health and Genetics/Laboratory Corporation of America, LabCorp); PubMed 10762289 (cited by Women's Health and Genetics/Laboratory Corporation of America, LabCorp); PubMed 17547682 (cited by Women's Health and Genetics/Laboratory Corporation of America, LabCorp and Athena Diagnostics); PubMed 16213173 (cited by Women's Health and Genetics/Laboratory Corporation of America, LabCorp and Athena Diagnostics); PubMed 12910492 (cited by Women's Health and Genetics/Laboratory Corporation of America, LabCorp); PubMed 10102079 (cited by Women's Health and Genetics/Laboratory Corporation of America, LabCorp); PubMed 9255229 (cited by Women's Health and Genetics/Laboratory Corporation of America, LabCorp); PubMed 8664975 (cited by Women's Health and Genetics/Laboratory Corporation of America, LabCorp and Athena Diagnostics); PubMed 8076588 (cited by Women's Health and Genetics/Laboratory Corporation of America, LabCorp); PubMed 12181638 (cited by Women's Health and Genetics/Laboratory Corporation of America, LabCorp and Athena Diagnostics); PubMed 11395710 (cited by Athena Diagnostics); PubMed 19344888 (cited by Athena Diagnostics); PubMed 19447840 (cited by Athena Diagnostics); PubMed 8421103 (cited by Athena Diagnostics).

NM_000163.5(GHR):c.1735C>A (p.Pro579Thr)

Gene: GHR (growth hormone receptor; plus strand). Cytogenetic location: 5p12.
Variant type: single nucleotide variant.
Coding change: c.1735C>A on transcript NM_000163.5 (MANE Select); coding-DNA position 1735, C replaced by A.
Protein change: p.Pro579Thr; replaces proline 579 with threonine.
Molecular consequence: missense variant. On other transcripts: 3 prime UTR variant (1).
Genome position (GRCh38, 1-based): chr5:42,719,242, C>A. VCF-style: chr5-42719242-C-A. GRCh37 (hg19) VCF-style: chr5-42719344-C-A.
Other names: c.1756C>A, p.Pro586Thr (NM_001242399.2); c.1735C>A, p.Pro579Thr (NM_001242400.2, NM_001242401.4, NM_001242402.2 and 4 more transcripts); c.1669C>A, p.Pro557Thr (NM_001242460.2); c.*777C>A (NM_001242462.1); short protein forms P579T, P557T, P586T.
Identifiers: ClinVar variation 281096 (VCV000281096.22), dbSNP rs6184, ClinGen allele CA3254703.
Genomic context (GRCh38, chr5:42,719,242, plus strand): 5'-AGCTTAAACCAAGAGGACATTTACATCACCACAGAAAGCCTTACCACTGCTGCTGGGAGG[C>A]CTGGGACAGGAGAACATGTTCCAGGTTCTGAGATGCCTGTCCCAGACTATACCTCCATTC-3'
Protein context (NP_000154.1, residues 569-589): TESLTTAAGR[Pro579Thr]GTGEHVPGSE